The following is an entry in ClinVar:

ClinVar aggregate classification (germline): Pathogenic. Review status: criteria provided, multiple submitters, no conflicts (2 of 4 stars). 6 submissions from 6 submitters: Pathogenic (6). Last evaluated 2025-09-18.

Conditions:
Inborn genetic diseases. Identifiers: MedGen C0950123, MeSH D030342.
Intellectual developmental disorder, X-linked 1. Also called: MENTAL RETARDATION, X-LINKED 18; MENTAL RETARDATION, X-LINKED 78; Atkin Flaitz Patil Smith syndrome; Intellectual disability, X-linked 1. Identifiers: Orphanet 777, MedGen C2931498, MONDO:0010656, OMIM 309530.

Submissions (6):

Ambry Genetics
Classification: Pathogenic for Inborn genetic diseases. Last evaluated: 2025-09-18. Review status: criteria provided, single submitter. Criteria: Ambry Variant Classification Scheme 2023. Collection method: clinical testing. Allele origin: germline.
Comment: The c.2272C>T (p.R758*) alteration, located in exon 5 (coding exon 5) of the IQSEC2 gene, consists of a C to T substitution at nucleotide position 2272. This changes the amino acid from an arginine (R) to a stop codon at amino acid position 758. This alteration is expected to result in loss of function by premature protein truncation or nonsense-mediated mRNA decay. This variant was not reported in population-based cohorts in the Genome Aggregation Database (gnomAD). This variant was reported as heterozygous in individual(s) with features consistent with IQSEC2-related neurodevelopmental disorder; in at least one individual, it was determined to be a de novo variant (Mastrangelo, 2024; Mignot, 2019; Munnich, 2019). Based on the available evidence, this alteration is classified as pathogenic.

Labcorp Genetics (formerly Invitae), Labcorp
Classification: Pathogenic for Intellectual developmental disorder, X-linked 1. Last evaluated: 2025-07-27. Review status: criteria provided, single submitter. Criteria: Invitae Variant Classification Sherloc (09022015). Collection method: clinical testing. Allele origin: germline.
Comment: This sequence change creates a premature translational stop signal (p.Arg758*) in the IQSEC2 gene. It is expected to result in an absent or disrupted protein product. Loss-of-function variants in IQSEC2 are known to be pathogenic (PMID: 21686261, 26793055, 27665735). This variant is not present in population databases (gnomAD no frequency). This premature translational stop signal has been observed in individual(s) with intellectual disability (PMID: 30206421, 33057194). ClinVar contains an entry for this variant (Variation ID: 280180). For these reasons, this variant has been classified as Pathogenic.

Institute of Human Genetics, University of Leipzig Medical Center
Classification: Pathogenic for Intellectual developmental disorder, X-linked 1. Last evaluated: 2025-05-08. Review status: criteria provided, single submitter. Criteria: ACMG Guidelines, 2015. Collection method: clinical testing. Allele origin: unknown. Inheritance: X-linked dominant inheritance. Affected: yes.
Comment: Criteria applied: PVS1,PS4_MOD,PM2

CeGaT Center for Human Genetics Tuebingen
Classification: Pathogenic. Last evaluated: 2020-04-01. Review status: criteria provided, single submitter. Criteria: CeGaT Center For Human Genetics Tuebingen Variant Classification Criteria Version 2. Collection method: clinical testing. Allele origin: germline. Affected: yes. Observed: 3 variant alleles.

GeneDx
Classification: Pathogenic. Last evaluated: 2015-12-18. Review status: criteria provided, single submitter. Criteria: GeneDx Variant Classification (06012015). Collection method: clinical testing. Allele origin: germline. Affected: yes.
Comment: The R758X pathogenic variant in the IQSEC2 gene has not been reported previously as a pathogenic variant nor as a benign variant, to our knowledge. This variant is predicted to cause loss of normal protein function either through protein truncation or nonsense-mediated mRNA decay. Protein truncating pathogenic variants downstream of this variant have been reported in the Human Gene Mutation Database in association with IQSEC2-related disorders (Stenson et al., 2014), supporting the pathogenicity of more upstream truncating variants. The R758X variant was not observed in approximately 6500 individuals of European and African American ancestry in the NHLBI Exome Sequencing Project, indicating it is not a common benign variant in these populations. Therefore, we interpret R758X as a pathogenic variant.

Suma Genomics
Classification: Pathogenic for Intellectual developmental disorder, X-linked 1. Review status: criteria provided, single submitter. Criteria: ACMG Guidelines, 2015. Collection method: clinical testing. Allele origin: unknown. Inheritance: X-linked inheritance. Affected: yes.

Literature cited by the submitters: PubMed 30206421 (cited by Ambry Genetics and Labcorp Genetics (formerly Invitae), Labcorp); PubMed 31406558 (cited by Ambry Genetics); PubMed 37761403 (cited by Ambry Genetics); PubMed 38851096 (cited by Ambry Genetics); PubMed 21686261 (cited by Labcorp Genetics (formerly Invitae), Labcorp); PubMed 26793055 (cited by Labcorp Genetics (formerly Invitae), Labcorp); PubMed 27665735 (cited by Labcorp Genetics (formerly Invitae), Labcorp); PubMed 33057194 (cited by Labcorp Genetics (formerly Invitae), Labcorp).

NM_001111125.3(IQSEC2):c.2272C>T (p.Arg758Ter)

Gene: IQSEC2 (IQ motif and Sec7 domain ArfGEF 2; minus strand). Cytogenetic location: Xp11.22.
Variant type: single nucleotide variant.
Coding change: c.2272C>T on transcript NM_001111125.3 (MANE Select); coding-DNA position 2272, C replaced by T.
Protein change: p.Arg758Ter; replaces arginine 758 with a stop codon.
Molecular consequence: nonsense.
Genome position (GRCh38, 1-based): chrX:53,250,304, G>A on the plus strand (C>T on the coding strand, the complement: IQSEC2 is on the minus strand). VCF-style: chrX-53250304-G-A. GRCh37 (hg19) VCF-style: chrX-53279486-G-A.
Other names: c.1657C>T, p.Arg553Ter (NM_015075.2); c.2272C>T (NM_001111125.2); short protein forms R758*, R553*.
Identifiers: ClinVar variation 280180 (VCV000280180.46), dbSNP rs886041433, ClinGen allele CA10603733.